The following is an entry in ClinVar:

NM_005245.4(FAT1):c.5538C>T (p.Thr1846=)

Gene: FAT1 (FAT atypical cadherin 1; minus strand). Cytogenetic location: 4q35.2.
Variant type: single nucleotide variant.
Coding change: c.5538C>T on transcript NM_005245.4 (MANE Select); coding-DNA position 5538, C replaced by T.
Protein change: p.Thr1846=; no amino-acid change (threonine 1846 retained).
Molecular consequence: synonymous variant.
Genome position (GRCh38, 1-based): chr4:186,621,048, G>A on the plus strand (C>T on the coding strand, the complement: FAT1 is on the minus strand). VCF-style: chr4-186621048-G-A. GRCh37 (hg19) VCF-style: chr4-187542202-G-A.
Other names: p.Thr1846=; c.5538C>T, p.Thr1846= (NM_001440457.1, NM_001440455.1, NM_001440456.1).
Identifiers: ClinVar variation 4684822 (VCV004684822.1).

ClinVar aggregate classification (germline): Likely benign (1 of 4 stars; one submission).

gnomAD v4.1: 38 of 1,612,550 alleles (0.0024%); highest among the groups gnomAD compares: Admixed American, 0.005%; no homozygotes.

Submission:

Mayo Clinic Laboratories, Mayo Clinic
Classification: Likely benign. Last evaluated: 2025-08-22. Review status: criteria provided, single submitter. Criteria: ACMG Guidelines, 2015. Collection method: clinical testing. Allele origin: germline. Observed: 1 variant allele.
Comment: BP4, BP7